The following is an entry in ClinVar:

NM_001041.4(SI):c.3149T>A (p.Ile1050Asn)

Gene: SI (sucrase-isomaltase; minus strand). Cytogenetic location: 3q26.1.
Variant type: single nucleotide variant.
Coding change: c.3149T>A on transcript NM_001041.4 (MANE Select); coding-DNA position 3149, T replaced by A.
Protein change: p.Ile1050Asn; replaces isoleucine 1050 with asparagine.
Molecular consequence: missense variant.
Genome position (GRCh38, 1-based): chr3:165,021,334, A>T on the plus strand (T>A on the coding strand, the complement: SI is on the minus strand). VCF-style: chr3-165021334-A-T. GRCh37 (hg19) VCF-style: chr3-164739122-A-T.
Other names: short protein forms I1050N.
Identifiers: ClinVar variation 4804895 (VCV004804895.1).

ClinVar aggregate classification (germline): Uncertain significance (1 of 4 stars; one submission).

gnomAD v4.1: 18 of 1,610,966 alleles (0.0011%); highest among the groups gnomAD compares: Middle Eastern, 0.016%; no homozygotes.

Submission:

Labcorp Genetics (formerly Invitae), Labcorp
Classification: Uncertain significance. Last evaluated: 2025-03-12. Review status: criteria provided, single submitter. Criteria: Invitae Variant Classification Sherloc (09022015). Collection method: clinical testing. Allele origin: germline.
Comment: This sequence change replaces isoleucine, which is neutral and non-polar, with asparagine, which is neutral and polar, at codon 1050 of the SI protein (p.Ile1050Asn). This variant is present in population databases (rs754939532, gnomAD 0.003%). This variant has not been reported in the literature in individuals affected with SI-related conditions. Invitae Evidence Modeling of protein sequence and biophysical properties (such as structural, functional, and spatial information, amino acid conservation, physicochemical variation, residue mobility, and thermodynamic stability) has been performed for this missense variant. However, the output from this modeling did not meet the statistical confidence thresholds required to predict the impact of this variant on SI protein function. In summary, the available evidence is currently insufficient to determine the role of this variant in disease. Therefore, it has been classified as a Variant of Uncertain Significance.